The following is an entry in ClinVar:

NC_000015.10:g.(?_38299363)_(38324819_?)del

Gene: SPRED1 (sprouty related EVH1 domain containing 1; plus strand). Cytogenetic location: 15q14.
Variant type: Deletion.
Identifiers: ClinVar variation 831554 (VCV000831554.6).

ClinVar aggregate classification (germline): Pathogenic (1 of 4 stars; one submission).

Conditions:
Legius syndrome. Identifiers: Orphanet 137605, MedGen C1969623, MONDO:0012669, OMIM 611431. Disease mechanism: loss of function.

Submission:

Labcorp Genetics (formerly Invitae), Labcorp
Classification: Pathogenic for Legius syndrome. Last evaluated: 2019-06-15. Review status: criteria provided, single submitter. Criteria: Invitae Variant Classification Sherloc (09022015). Collection method: clinical testing. Allele origin: germline.
Comment: This variant is an out-of-frame deletion of the genomic region encompassing exons 2-4 of the SPRED1 gene. This is expected to create a premature translational stop signal and result in an absent or disrupted protein product. This variant has not been reported in the literature in individuals with SPRED1-related conditions. Loss-of-function variants in SPRED1 are known to be pathogenic (PMID: 17704776). For these reasons, this variant has been classified as Pathogenic.

Literature cited by the submitters: PubMed 17704776.